The following is an entry in ClinVar:

ClinVar aggregate classification (germline): Uncertain significance (1 of 4 stars; one submission).

gnomAD v4.1: 1 of 1,613,960 alleles (0.000062%); highest among the groups gnomAD compares: South Asian, 0.0011%; no homozygotes.

Submission:

CeGaT Center for Human Genetics Tuebingen
Classification: Uncertain significance. Last evaluated: 2025-07-01. Review status: criteria provided, single submitter. Criteria: CeGaT Center For Human Genetics Tuebingen Variant Classification Criteria Version 2. Collection method: clinical testing. Allele origin: germline. Affected: yes. Observed: 2 variant alleles.
Comment: COL11A1: PM2

NM_001854.4(COL11A1):c.4666A>G (p.Arg1556Gly)

Gene: COL11A1 (collagen type XI alpha 1 chain; minus strand). Cytogenetic location: 1p21.1.
Variant type: single nucleotide variant.
Coding change: c.4666A>G on transcript NM_001854.4 (MANE Select); coding-DNA position 4666, A replaced by G.
Protein change: p.Arg1556Gly; replaces arginine 1556 with glycine.
Molecular consequence: missense variant. On other transcripts: non-coding transcript variant (1).
Genome position (GRCh38, 1-based): chr1:102,886,999, T>C on the plus strand (A>G on the coding strand, the complement: COL11A1 is on the minus strand). VCF-style: chr1-102886999-T-C. GRCh37 (hg19) VCF-style: chr1-103352555-T-C.
Other names: c.4318A>G, p.Arg1440Gly (NM_001168249.1, NM_080630.4); c.4549A>G, p.Arg1517Gly (NM_001190709.2); c.4702A>G, p.Arg1568Gly (NM_080629.3); short protein forms R1440G, R1517G, R1556G, R1568G.
Identifiers: ClinVar variation 3026678 (VCV003026678.22), dbSNP rs2524228260, ClinGen allele CA341212130.